The following is an entry in ClinVar:

ClinVar aggregate classification (germline): Uncertain significance. Review status: criteria provided, multiple submitters, no conflicts (2 of 4 stars). 2 submissions from 2 submitters: Uncertain significance (2). Last evaluated 2025-04-28.

Conditions:
Inborn genetic diseases. Identifiers: MedGen C0950123, MeSH D030342.

Allele frequency attached by ClinVar (database versions not stated): TOPMed 0.00001.

Submissions (2):

Ambry Genetics
Classification: Uncertain significance for Inborn genetic diseases. Last evaluated: 2025-04-28. Review status: criteria provided, single submitter. Criteria: Ambry Variant Classification Scheme 2023. Collection method: clinical testing. Allele origin: germline.

GeneDx
Classification: Uncertain significance. Last evaluated: 2024-02-13. Review status: criteria provided, single submitter. Criteria: GeneDx Variant Classification Process June 2021. Collection method: clinical testing. Allele origin: germline. Affected: yes.
Comment: Not observed in large population cohorts (gnomAD); In silico analysis, which includes protein predictors and evolutionary conservation, supports a deleterious effect; Has not been previously published as pathogenic or benign to our knowledge

NM_019109.5(ALG1):c.791A>T (p.Asp264Val)

Gene: ALG1 (ALG1 chitobiosyldiphosphodolichol beta-mannosyltransferase; plus strand). Cytogenetic location: 16p13.3.
Variant type: single nucleotide variant.
Coding change: c.791A>T on transcript NM_019109.5 (MANE Select); coding-DNA position 791, A replaced by T.
Protein change: p.Asp264Val; replaces aspartic acid 264 with valine.
Molecular consequence: missense variant.
Genome position (GRCh38, 1-based): chr16:5,078,807, A>T. VCF-style: chr16-5078807-A-T. GRCh37 (hg19) VCF-style: chr16-5128808-A-T.
Other names: c.458A>T, p.Asp153Val (NM_001330504.2); short protein forms D153V, D264V.
Identifiers: ClinVar variation 1310849 (VCV001310849.4), dbSNP rs1956962179, ClinGen allele CA394681769.